The following is an entry in ClinVar:

ClinVar aggregate classification (germline): Uncertain significance (1 of 4 stars; one submission).

Conditions:
Nephronophthisis. Also called: Juvenile Nephronophthisis. Identifiers: Orphanet 655, MedGen C0687120, MONDO:0019005, HP:0000090.

Submission:

Labcorp Genetics (formerly Invitae), Labcorp
Classification: Uncertain significance for Nephronophthisis. Last evaluated: 2021-07-26. Review status: criteria provided, single submitter. Criteria: Invitae Variant Classification Sherloc (09022015). Collection method: clinical testing. Allele origin: germline.
Comment: In summary, the available evidence is currently insufficient to determine the role of this variant in disease. Therefore, it has been classified as a Variant of Uncertain Significance. Algorithms developed to predict the effect of missense changes on protein structure and function are either unavailable or do not agree on the potential impact of this missense change (SIFT: "Deleterious"; PolyPhen-2: "Benign"; Align-GVGD: "Class C0"). This variant has not been reported in the literature in individuals affected with INVS-related conditions. This variant is not present in population databases (ExAC no frequency). This sequence change replaces histidine with leucine at codon 1015 of the INVS protein (p.His1015Leu). The histidine residue is moderately conserved and there is a moderate physicochemical difference between histidine and leucine.

NM_014425.5(INVS):c.3044A>T (p.His1015Leu)

Gene: INVS (inversin; plus strand). Cytogenetic location: 9q31.1.
Variant type: single nucleotide variant.
Coding change: c.3044A>T on transcript NM_014425.5 (MANE Select); coding-DNA position 3044, A replaced by T.
Protein change: p.His1015Leu; replaces histidine 1015 with leucine.
Molecular consequence: missense variant. On other transcripts: non-coding transcript variant (1).
Genome position (GRCh38, 1-based): chr9:100,297,963, A>T. VCF-style: chr9-100297963-A-T. GRCh37 (hg19) VCF-style: chr9-103060245-A-T.
Other names: c.2756A>T, p.His919Leu (NM_001318381.2); c.2066A>T, p.His689Leu (NM_001318382.2); short protein forms H919L, H1015L, H689L.
Identifiers: ClinVar variation 1390836 (VCV001390836.8), dbSNP rs2118786271, ClinGen allele CA374245528.